The following is an entry in ClinVar:

ClinVar aggregate classification (germline): Uncertain significance (1 of 4 stars; one submission).

gnomAD v4.1: 13 of 1,609,406 alleles (0.00081%); highest among the groups gnomAD compares: South Asian, 0.0066%; no homozygotes.

Submission:

Labcorp Genetics (formerly Invitae), Labcorp
Classification: Uncertain significance. Last evaluated: 2026-01-18. Review status: criteria provided, single submitter. Criteria: Invitae Variant Classification Sherloc (09022015). Collection method: clinical testing. Allele origin: germline.
Comment: This sequence change replaces arginine, which is basic and polar, with tryptophan, which is neutral and slightly polar, at codon 1950 of the CACNA1D protein (p.Arg1950Trp). This variant is present in population databases (rs368181208, gnomAD 0.003%). This variant has not been reported in the literature in individuals affected with CACNA1D-related conditions. ClinVar contains an entry for this variant (Variation ID: 3706107). An algorithm developed to predict the effect of missense changes on protein structure and function (PolyPhen-2) suggests that this variant is likely to be disruptive. In summary, the available evidence is currently insufficient to determine the role of this variant in disease. Therefore, it has been classified as a Variant of Uncertain Significance.

NM_001128840.3(CACNA1D):c.5788C>T (p.Arg1930Trp)

Gene: CACNA1D (calcium voltage-gated channel subunit alpha1 D; plus strand). Cytogenetic location: 3p21.1.
Variant type: single nucleotide variant.
Coding change: c.5788C>T on transcript NM_001128840.3 (MANE Select); coding-DNA position 5788, C replaced by T.
Protein change: p.Arg1930Trp; replaces arginine 1930 with tryptophan.
Molecular consequence: missense variant.
Genome position (GRCh38, 1-based): chr3:53,808,687, C>T. VCF-style: chr3-53808687-C-T. GRCh37 (hg19) VCF-style: chr3-53842714-C-T.
Other names: c.5848C>T, p.Arg1950Trp (NM_000720.4); c.5716C>T, p.Arg1906Trp (NM_001128839.3); short protein forms R1930W, R1950W, R1906W.
Identifiers: ClinVar variation 3706107 (VCV003706107.2).